The following is an entry in ClinVar:

NM_000256.3(MYBPC3):c.927-9G>A

Gene: MYBPC3 (myosin binding protein C3; minus strand). Cytogenetic location: 11p11.2.
Variant type: single nucleotide variant.
Coding change: c.927-9G>A on transcript NM_000256.3 (MANE Select); 9 bases into the intron before coding-DNA position 927, G replaced by A.
Molecular consequence: intron variant.
Genome position (GRCh38, 1-based): chr11:47,346,379, C>T on the plus strand (G>A on the coding strand, the complement: MYBPC3 is on the minus strand). VCF-style: chr11-47346379-C-T. GRCh37 (hg19) VCF-style: chr11-47367930-C-T.
Identifiers: ClinVar variation 42807 (VCV000042807.68), dbSNP rs397516083, ClinGen allele CA016127.

ClinVar aggregate classification (germline): Pathogenic/Likely pathogenic. Review status: criteria provided, multiple submitters, no conflicts (2 of 4 stars). 23 submissions from 23 submitters: Pathogenic (21); Likely pathogenic (1). 1 of the submissions does not count toward it. Last evaluated 2026-07-30.

Conditions:
MYBPC3-related disorder. Also called: MYBPC3-related disorders; MYBPC3-related condition; MYBPC3-related disease.
Cardiovascular phenotype. Identifiers: MedGen CN230736.
Hypertrophic cardiomyopathy 4. Also called: Familial hypertrophic cardiomyopathy 4. Identifiers: MedGen C1861862, MONDO:0007268, OMIM 115197.
Left ventricular noncompaction 10 (LVNC10). Identifiers: Orphanet 154, Orphanet 54260, MedGen C3715165, MONDO:0014163, OMIM 615396.
Cardiomyopathy (CMYO). Also called: Cardiomyopathies. Identifiers: Orphanet 167848, MedGen C0878544, MONDO:0004994, HP:0001638. Inheritance: Various modes of inheritance.
Primary familial hypertrophic cardiomyopathy (HCM). Identifiers: Orphanet 99739, MedGen C0949658, MeSH D024741, MONDO:0024573. Inheritance: Various modes of inheritance.
Hypertrophic cardiomyopathy. Also called: HYPERTROPHIC MYOCARDIOPATHY. Identifiers: Orphanet 217569, MedGen C0007194, MeSH D002312, MONDO:0005045, HP:0001639.

Allele frequency attached by ClinVar (database versions not stated): gnomAD exomes 0.00001; gnomAD 0.00002; TOPMed 0.00002.
gnomAD v4.1: 19 of 1,568,024 alleles (0.0012%); highest among the groups gnomAD compares: Non-Finnish European, 0.0014%; no homozygotes.

Submissions 1 to 6 of 23:

PreventionGenetics, part of Exact Sciences
Classification: Pathogenic for MYBPC3-related condition. Last evaluated: 2026-07-30. Review status: criteria provided, single submitter. Criteria: ACMG Guidelines, 2015. Collection method: clinical testing. Allele origin: germline.
Comment: The MYBPC3 c.927-9G>A variant is predicted to interfere with splicing. This variant has been reported in many individuals with hypertrophic cardiomyopathy (HCM) (Ross et al. 2017. PubMed ID: 28615295; Singer et al. 2019. PubMed ID: 30645170; Hathaway et al. 2021. PubMed ID: 33673806), and has been observed to co-segregate with disease in related family members (Rodríguez-García et al. 2010. PubMed ID: 20433692; Das et al. 2014. PubMed ID: 24113344). In vitro splicing assays and RNA sequencing analysis demonstrated that this variant creates a strong cryptic acceptor site, leading to exon 12 skipping and a premature stop codon (Figure S2-5, Crehalet et al. 2012. DOI: 10.4081/cardiogenetics.2012.e6; Table S3, Ito et al. 2017. PubMed ID: 28679633). RNA sequencing of patient blood samples in another study also failed to detect the variant transcript (Singer et al. 2019. PubMed ID: 30645170). Taken together, these results are consistent with the variant mRNA undergoing degradation via nonsense-mediated decay. This variant is reported in 0.013% of alleles in individuals of Ashkenazi Jewish descent in gnomAD and is interpreted as pathogenic in ClinVar (Variation ID: 42807). Taken together, this variant is interpreted as pathogenic.

Molecular Diagnostic Laboratory for Inherited Cardiovascular Disease, Montreal Heart Institute
Classification: Pathogenic for Cardiovascular phenotype. Last evaluated: 2026-03-31. Review status: criteria provided, single submitter. Criteria: ACMG Guidelines, 2015. Collection method: clinical testing. Allele origin: germline. Affected: yes.

Victorian Clinical Genetics Services, Murdoch Childrens Research Institute
Classification: Pathogenic for Hypertrophic cardiomyopathy 4. Last evaluated: 2026-02-26. Review status: criteria provided, single submitter. Criteria: ACMG Guidelines, 2015. Collection method: clinical testing. Allele origin: germline. Affected: yes.
Comment: This variant is classified as Pathogenic. Evidence in support of pathogenic classification: Splice site variant proven to affect splicing of the transcript with uncertain effect on protein sequence. Minigene assay in HeLa cells demonstrated out-of-frame skipping of exon 12, which is predicted to cause a frameshift and result in nonsense-mediated decay (NMD) (Crehalet, H. et al. (2012)); Variant is present in gnomAD <0.01 (v4: 19 heterozygotes, 0 homozygotes); This variant has strong previous evidence of pathogenicity in unrelated individuals. This variant has been classified as pathogenic by multiple clinical laboratories in ClinVar, and observed in multiple individuals with HCM (VCGS internal data). Additional information: This gene is associated with both recessive and dominant disease. Dominant inheritance is frequently reported in adult onset conditions and recessive inheritance results in a more severe early onset phenotype (OMIM). Association to recessive disease is currently rated as limited by ClinGen; Loss of function is a known mechanism of disease in this gene and is associated with hypertrophic cardiomyopathy 4 (HCM; MIM#115197); Variants in this gene are known to have variable expressivity (PMID: 32841044).

Clinical Genomics Laboratory, Washington University in St. Louis
Classification: Pathogenic for Hypertrophic cardiomyopathy 4. Last evaluated: 2026-02-20. Review status: criteria provided, single submitter. Criteria: ACMG Guidelines, 2015. Collection method: clinical testing. Allele origin: germline. Affected: yes.
Comment: The MYBPC3 c.927-9G>A variant has been reported in several individuals with hypertrophic cardiomyopathy and segregated with disease in at least eight affected individuals from seven families (Das KJ et al., PMID: 24113344; Marschall C et al., PMID: 31737537; Murphy SL et al., PMID: 26914223; O'Leary TS et al., PMID: 30550750; Rodriguez-Garcia MI et al., PMID: 21488307; Rodriguez-Garcia MI et al., PMID: 20433692; Viswanathan SK et al., PMID: 29121657). This variant is only observed on 19/1,568,024 alleles in the general population (gnomAD v4.1.0), indicating it is not a common variant. Computational predictors indicate that this variant would alter splicing, evidence that correlates to an impact of this variant on MYBPC3 function. In support of this prediction, in vitro splicing studies suggest that it disrupts splicing, leading to an abnormal or absent protein (Helms AS et al., PMID: 25031304). This variant has been reported in the ClinVar database as a germline pathogenic variant by 20 submitters. Based on available information and the ACMG/AMP guidelines for variant interpretation (Richards S et al., PMID: 25741868), this variant is classified as pathogenic.

Labcorp Genetics (formerly Invitae), Labcorp
Classification: Pathogenic for Hypertrophic cardiomyopathy. Last evaluated: 2026-01-27. Review status: criteria provided, single submitter. Criteria: Invitae Variant Classification Sherloc (09022015). Collection method: clinical testing. Allele origin: germline.
Comment: This sequence change falls in intron 11 of the MYBPC3 gene. It does not directly change the encoded amino acid sequence of the MYBPC3 protein. RNA analysis indicates that this variant induces altered splicing and may result in an absent or altered protein product. The frequency data for this variant in the population databases is considered unreliable, as metrics indicate poor data quality at this position in the gnomAD database. This variant has been observed in individuals with hypertrophic cardiomyopathy (PMID: 23549607, 24113344, 24810389, 26914223, 28615295, 29030401, 29121657). It has also been observed to segregate with disease in related individuals. This variant is also known as IVS11-9G>A. ClinVar contains an entry for this variant (Variation ID: 42807). Variants that disrupt the consensus splice site are a relatively common cause of aberrant splicing (PMID: 17576681, 9536098). Studies have shown that this variant results in inclusion of intron 11, and produces a non-functional protein and/or introduces a premature termination codon (PMID: 25031304). For these reasons, this variant has been classified as Pathogenic.

ARUP Laboratories, Molecular Genetics and Genomics, ARUP Laboratories
Classification: Pathogenic. Last evaluated: 2025-06-04. Review status: criteria provided, single submitter. Criteria: ARUP Molecular Germline Variant Investigation Process 2024. Collection method: clinical testing. Allele origin: germline.
Comment: The MYBPC3 c.927-9G>A variant (rs397516083, ClinVar Variation ID: 42807) is reported in the literature in multiple individuals with hypertrophic cardiomyopathy (Ho 2013, Murphy 2016, Oâ€™Leary 2019, Viswanathan 2017) and was shown to co-segregate with disease in multiple families (Burns 2017, Das 2014, Rodriguez-Garcia 2010). This variant is only observed on two alleles in the Genome Aggregation Database (v2.1.1) but is considered a low confidence variant in the database. This is an intronic variant and computational analyses (Alamut Visual Plus v.1.12) predict that this variant may impact splicing by weakening the nearby canonical acceptor splice site. Functional analyses demonstrate aberrant splicing at intron 11, negatively impacting protein function (Helms 2013, Ito 2017). Based on available information, this variant is considered to be pathogenic. References: Burns C et al. Multiple Gene Variants in Hypertrophic Cardiomyopathy in the Era of Next-Generation Sequencing. Circ Cardiovasc Genet. 2017 Aug;10(4):e001666. PMID: 28790153. Das K J et al. Determining pathogenicity of genetic variants in hypertrophic cardiomyopathy: importance of periodic reassessment. Genet Med. 2014 Apr;16(4):286-93. PMID: 24113344. Helms AS et al. Sarcomere mutation-specific expression patterns in human hypertrophic cardiomyopathy. Circ Cardiovasc Genet. 2014 Aug;7(4):434-43. PMID: 25031304. Ho CY et al. T1 measurements identify extracellular volume expansion in hypertrophic cardiomyopathy sarcomere mutation carriers with and without left ventricular hypertrophy. Circ Cardiovasc Imaging. 2013 May 1;6(3):415-22. PMID: 23549607. Ito K et al. Identification of pathogenic gene mutations in LMNA and MYBPC3 that alter RNA splicing. Proc Natl Acad Sci U S A. 2017 Jul 18;114(29):7689-7694. PMID: 28679633. Murphy SL et al. Evaluation of the Mayo Clinic Phenotype-Based Genotype Predictor Score in Patients with Clinically Diagnosed Hypertrophic Cardiomyopathy. J Cardiovasc Transl Res. 2016 Apr;9(2):153-61. PMID: 26914223. O'Leary TS et al. MYBPC3 truncation mutations enhance actomyosin contractile mechanics in human hypertrophic cardiomyopathy. J Mol Cell Cardiol. 2019 Feb;127:165-173. PMID: 30550750. Rodriguez-Garcia MI et al. Screening mutations in myosin binding protein C3 gene in a cohort of patients with Hypertrophic Cardiomyopathy. BMC Med Genet. 2010 Apr 30;11:67. PMID: 20433692. Viswanathan SK et al. Hypertrophic cardiomyopathy clinical phenotype is independent of gene mutation and mutation dosage. PLoS One. 2017 Nov 9;12(11):e0187948. PMID: 29121657.